The following is an entry in ClinVar:

ClinVar aggregate classification (germline): Conflicting classifications of pathogenicity. Review status: criteria provided, conflicting classifications (1 of 4 stars). 4 submissions from 4 submitters: Uncertain significance (3); Likely benign (1). Last evaluated 2025-06-20.

Conditions:
Hereditary cancer-predisposing syndrome. Also called: Neoplastic Syndromes, Hereditary; Hereditary neoplastic syndrome; Hereditary Cancer Syndrome; Tumor predisposition. Identifiers: Orphanet 140162, MedGen C0027672, MeSH D009386, MONDO:0015356.

Submissions (4):

Quest Diagnostics Nichols Institute San Juan Capistrano
Classification: Uncertain significance. Last evaluated: 2025-06-20. Review status: criteria provided, single submitter. Criteria: Quest Diagnostics criteria. Collection method: clinical testing. Allele origin: unknown.
Comment: The BRCA1 c.3217G>C (p.Gly1073Arg) variant has not been observed in individuals with BRCA1-related conditions in the published literature. However, it has been reported as functionally neutral/benign based on published computational analysis (PMIDs: 29884841 (2019), 32377563 (2020), and 35729312 (2022). This variant has also been described to be located in a region of the BRCA2 gene that is tolerant to missense sequence changes (PMID: 31911673 (2020)). It also has not been reported in large, multi-ethnic general populations (Genome Aggregation Database). Analysis of this variant using bioinformatics tools for the prediction of the effect of amino acid changes on protein structure and function yielded predictions that this variant is benign. Based on the available information, we are unable to determine the clinical significance of this variant.

Ambry Genetics
Classification: Uncertain significance for Hereditary cancer-predisposing syndrome. Last evaluated: 2024-01-30. Review status: criteria provided, single submitter. Criteria: Ambry Variant Classification Scheme 2023. Collection method: clinical testing. Allele origin: germline.
Comment: The p.G1073R variant (also known as c.3217G>C), located in coding exon 9 of the BRCA1 gene, results from a G to C substitution at nucleotide position 3217. The glycine at codon 1073 is replaced by arginine, an amino acid with dissimilar properties. This amino acid position is not well conserved in available vertebrate species. In addition, the in silico prediction for this alteration is inconclusive. Based on the available evidence, the clinical significance of this alteration remains unclear.

University of Washington Department of Laboratory Medicine, University of Washington
Classification: Likely benign for Hereditary cancer-predisposing syndrome. Last evaluated: 2023-03-23. Review status: criteria provided, single submitter. Criteria: Dines et al. (Genet Med. 2020). Collection method: curation. Allele origin: germline.
Comment: Missense variant in a coldspot region where missense variants are very unlikely to be pathogenic (PMID:31911673).

BRCA1 coldspot (exon 11 using historical exon numbering). Reclassification based on statistical prior probability

GeneDx
Classification: Uncertain significance. Last evaluated: 2023-02-06. Review status: criteria provided, single submitter. Criteria: GeneDx Variant Classification Process June 2021. Collection method: clinical testing. Allele origin: germline. Affected: yes.
Comment: Not observed at significant frequency in large population cohorts (gnomAD); In silico analysis supports that this missense variant has a deleterious effect on protein structure/function; Has not been previously published as pathogenic or benign to our knowledge; Also known as 3336G>C; This variant is associated with the following publications: (PMID: 15343273)

Literature cited by the submitters: PubMed 35729312 (cited by Quest Diagnostics Nichols Institute San Juan Capistrano); PubMed 31911673 (cited by Quest Diagnostics Nichols Institute San Juan Capistrano); PubMed 32377563 (cited by Quest Diagnostics Nichols Institute San Juan Capistrano); PubMed 29884841 (cited by Quest Diagnostics Nichols Institute San Juan Capistrano); PubMed 33087888 (cited by Quest Diagnostics Nichols Institute San Juan Capistrano).

NM_007294.4(BRCA1):c.3217G>C (p.Gly1073Arg)

Genes: BRCA1 (BRCA1 DNA repair associated; minus strand), LOC126862571 (BRD4-independent group 4 enhancer GRCh37_chr17:41243136-41244335; plus strand). Cytogenetic location: 17q21.31.
Variant type: single nucleotide variant.
Coding change: c.3217G>C on transcript NM_007294.4 (MANE Select); coding-DNA position 3217, G replaced by C.
Protein change: p.Gly1073Arg; replaces glycine 1073 with arginine.
Molecular consequence: missense variant. On other transcripts: intron variant (137).
Genome position (GRCh38, 1-based): chr17:43,092,314, C>G on the plus strand (G>C on the coding strand, the complement: BRCA1 is on the minus strand). VCF-style: chr17-43092314-C-G. GRCh37 (hg19) VCF-style: chr17-41244331-C-G.
Other names: c.3217G>C, p.Gly1073Arg (NM_001407641.1, NM_001407642.1, NM_001407652.1 and 30 more transcripts); c.3214G>C, p.Gly1072Arg (NM_001407644.1, NM_001407645.1, NM_001407860.1 and 22 more transcripts); c.3208G>C, p.Gly1070Arg (NM_001407646.1, NM_001407647.1); c.3094G>C, p.Gly1032Arg (NM_001407648.1, NM_001407664.1, NM_001407665.1 and 19 more transcripts); c.3091G>C, p.Gly1031Arg (NM_001407649.1, NM_001407670.1, NM_001407671.1 and 11 more transcripts); c.3139G>C, p.Gly1047Arg (NM_001407653.1, NM_001407654.1, NM_001407655.1 and 4 more transcripts); c.3136G>C, p.Gly1046Arg (NM_001407659.1, NM_001407660.1, NM_001407661.1 and 1 more transcripts); c.3076G>C, p.Gly1026Arg (NM_001407692.1, NM_001407694.1, NM_001407695.1 and 29 more transcripts); and 41 more; short protein forms G1002R, G1003R, G1005R, G1006R, G1025R, G1026R, G1031R, G1032R.
Identifiers: ClinVar variation 2429561 (VCV002429561.5), dbSNP rs878854945, ClinGen allele CA10595546.